The following is an entry in ClinVar:

NM_020778.5(ALPK3):c.3437_3438dup (p.Ala1147fs)

Gene: ALPK3 (alpha kinase 3; plus strand). Cytogenetic location: 15q25.3.
Variant type: Duplication.
Coding change: c.3437_3438dup on transcript NM_020778.5 (MANE Select); coding-DNA positions 3437 to 3438, 2 bases duplicated (AG; older notation c.3437_3438dupAG).
Protein change: p.Ala1147fs; shifts the reading frame from alanine 1147.
Molecular consequence: frameshift variant.
Genome position (GRCh38, 1-based): chr15:84,858,175-84,858,176, AG duplicated; duplicating any 2 consecutive bases within chr15:84,858,174-84,858,176 gives the same sequence; the c. name uses the placement nearest the transcript's 3' end. VCF-style (leftmost placement, unchanged base first): chr15-84858173-G-GGA. GRCh37 (hg19) VCF-style: chr15-85401404-G-GGA.
Other names: short protein forms A1147fs.
Identifiers: ClinVar variation 1453869 (VCV001453869.6), dbSNP rs2141569123, ClinGen allele CA2573151304.

ClinVar aggregate classification (germline): Pathogenic (1 of 4 stars; one submission).

Submission:

Labcorp Genetics (formerly Invitae), Labcorp
Classification: Pathogenic. Last evaluated: 2022-05-11. Review status: criteria provided, single submitter. Criteria: Invitae Variant Classification Sherloc (09022015). Collection method: clinical testing. Allele origin: germline.
Comment: For these reasons, this variant has been classified as Pathogenic. This variant has not been reported in the literature in individuals affected with ALPK3-related conditions. This variant is not present in population databases (gnomAD no frequency). This sequence change creates a premature translational stop signal (p.Ala1349Argfs*3) in the ALPK3 gene. It is expected to result in an absent or disrupted protein product. Loss-of-function variants in ALPK3 are known to be pathogenic (PMID: 21441111, 26846950, 27106955, 34263907).

Literature cited by the submitters: PubMed 21441111; PubMed 26846950; PubMed 27106955; PubMed 34263907.